The following is an entry in ClinVar:

ClinVar aggregate classification (germline): Likely pathogenic (1 of 4 stars; one submission).

Conditions:
X-linked severe combined immunodeficiency (SCIDX1). Also called: X-Linked Combined Immunodeficiency Diseases; IMMUNODEFICIENCY 4; SCID, X-LINKED; SEVERE COMBINED IMMUNODEFICIENCY, X-LINKED, T CELL-NEGATIVE, B CELL-POSITIVE, NK CELL-NEGATIVE; T-B+ severe combined immunodeficiency due to gamma chain deficiency. Identifiers: Orphanet 276, MedGen C6022468, MONDO:0010315, OMIM 300400. Disease mechanism: loss of function.

Submission:

Labcorp Genetics (formerly Invitae), Labcorp
Classification: Likely pathogenic for X-linked severe combined immunodeficiency. Last evaluated: 2023-10-24. Review status: criteria provided, single submitter. Criteria: Invitae Variant Classification Sherloc (09022015). Collection method: clinical testing. Allele origin: germline.
Comment: This sequence change replaces leucine, which is neutral and non-polar, with glutamine, which is neutral and polar, at codon 172 of the IL2RG protein (p.Leu172Gln). This variant is not present in population databases (gnomAD no frequency). This missense change has been observed in individuals with severe combined immunodeficiency (PMID: 9058718; Invitae). Advanced modeling of protein sequence and biophysical properties (such as structural, functional, and spatial information, amino acid conservation, physicochemical variation, residue mobility, and thermodynamic stability) performed at Invitae indicates that this missense variant is expected to disrupt IL2RG protein function with a positive predictive value of 80%. This variant disrupts the p.Leu172 amino acid residue in IL2RG. Other variant(s) that disrupt this residue have been determined to be pathogenic (PMID: 9058718, 33628209). This suggests that this residue is clinically significant, and that variants that disrupt this residue are likely to be disease-causing. In summary, the currently available evidence indicates that the variant is pathogenic, but additional data are needed to prove that conclusively. Therefore, this variant has been classified as Likely Pathogenic.

Literature cited by the submitters: PubMed 9058718; PubMed 33628209.

NM_000206.3(IL2RG):c.515T>A (p.Leu172Gln)

Gene: IL2RG (interleukin 2 receptor subunit gamma; minus strand). Cytogenetic location: Xq13.1.
Variant type: single nucleotide variant.
Coding change: c.515T>A on transcript NM_000206.3 (MANE Select); coding-DNA position 515, T replaced by A.
Protein change: p.Leu172Gln; replaces leucine 172 with glutamine.
Molecular consequence: missense variant.
Genome position (GRCh38, 1-based): chrX:71,110,235, A>T on the plus strand (T>A on the coding strand, the complement: IL2RG is on the minus strand). VCF-style: chrX-71110235-A-T. GRCh37 (hg19) VCF-style: chrX-70330085-A-T.
Other names: short protein forms L172Q.
Identifiers: ClinVar variation 2737249 (VCV002737249.3), dbSNP rs2519646646, ClinGen allele CA413496382.
Genomic context (GRCh38, chrX:71,110,235, plus strand): 5'-TCAGTCCGGTACTGCACCAAGTGCTCCAAACAGTGGTTCAAGAATCTGTTGTTCCAGTTC[A>T]GTTCTAGCTGGGATTCACTCAGTTTGTGAAGTGTTAGGTTCTCTGGAGCCCAGGGGATCA-3'
Protein context (NP_000197.1, residues 162-182): LHKLSESQLE[Leu172Gln]NWNNRFLNHC